The following is an entry in ClinVar:

NM_000419.5(ITGA2B):c.1845C>A (p.Val615=)

Gene: ITGA2B (integrin subunit alpha 2b; minus strand). Cytogenetic location: 17q21.31.
Variant type: single nucleotide variant.
Coding change: c.1845C>A on transcript NM_000419.5 (MANE Select); coding-DNA position 1845, C replaced by A.
Protein change: p.Val615=; no amino-acid change (valine 615 retained).
Molecular consequence: synonymous variant.
Genome position (GRCh38, 1-based): chr17:44,379,722, G>T on the plus strand (C>A on the coding strand, the complement: ITGA2B is on the minus strand). VCF-style: chr17-44379722-G-T. GRCh37 (hg19) VCF-style: chr17-42457090-G-T.
Other names: c.1845C>A (NM_000419.4).
Identifiers: ClinVar variation 4935483 (VCV004935483.2).

ClinVar aggregate classification (germline): Conflicting classifications of pathogenicity. Review status: criteria provided, conflicting classifications (1 of 4 stars). 2 submissions from 2 submitters: Uncertain significance (1); Likely benign (1). Last evaluated 2025-08-20.

Conditions:
ITGA2B-related disorder. Also called: ITGA2B-related condition; ITGA2B-related disorders.

Submissions (2):

PreventionGenetics, part of Exact Sciences
Classification: Likely benign for ITGA2B-related condition. Last evaluated: 2025-08-20. Review status: criteria provided, single submitter. Criteria: ACMG Guidelines, 2015. Collection method: clinical testing. Allele origin: germline.
Comment: This variant is classified as likely benign based on ACMG/AMP sequence variant interpretation guidelines (Richards et al. 2015 PMID: 25741868, with internal and published modifications).

Blueprint Genetics
Classification: Uncertain significance. Last evaluated: 2024-09-21. Review status: criteria provided, single submitter. Criteria: ACMG Guidelines, 2015. Collection method: clinical testing. Allele origin: germline.